The following is an entry in ClinVar:

NM_032806.6(POMGNT2):c.799T>A (p.Phe267Ile)

Gene: POMGNT2 (protein O-linked mannose N-acetylglucosaminyltransferase 2 (beta 1,4-); minus strand). Cytogenetic location: 3p22.1.
Variant type: single nucleotide variant.
Coding change: c.799T>A on transcript NM_032806.6 (MANE Select); coding-DNA position 799, T replaced by A.
Protein change: p.Phe267Ile; replaces phenylalanine 267 with isoleucine.
Molecular consequence: missense variant.
Genome position (GRCh38, 1-based): chr3:43,080,633, A>T on the plus strand (T>A on the coding strand, the complement: POMGNT2 is on the minus strand). VCF-style: chr3-43080633-A-T. GRCh37 (hg19) VCF-style: chr3-43122125-A-T.
Other names: short protein forms F267I.
Identifiers: ClinVar variation 658004 (VCV000658004.6), dbSNP rs778188247, ClinGen allele CA2339991.

ClinVar aggregate classification (germline): Conflicting classifications of pathogenicity. Review status: criteria provided, conflicting classifications (1 of 4 stars). 2 submissions from 2 submitters: Likely pathogenic (1); Uncertain significance (1). Last evaluated 2022-06-21.

Conditions:
Muscular dystrophy-dystroglycanopathy (congenital with brain and eye anomalies), type a, 8 (MDDGA8). Also called: WALKER-WARBURG SYNDROME OR MUSCLE-EYE-BRAIN DISEASE, GTDC2-RELATED. Identifiers: Orphanet 899, MedGen C3553813, MONDO:0013904, OMIM 614830.

Allele frequency attached by ClinVar (database versions not stated): gnomAD exomes below 0.00001; ExAC 0.00001.
gnomAD v4.1: 1 of 1,614,162 alleles (0.000062%); highest among the groups gnomAD compares: Admixed American, 0.0017%; no homozygotes.

Submissions (2):

GeneDx
Classification: Likely pathogenic. Last evaluated: 2022-06-21. Review status: criteria provided, single submitter. Criteria: GeneDx Variant Classification Process June 2021. Collection method: clinical testing. Allele origin: germline. Affected: yes.
Comment: In silico analysis supports that this missense variant has a deleterious effect on protein structure/function; Has not been previously published as pathogenic or benign to our knowledge; Not observed at significant frequency in large population cohorts (gnomAD)

Labcorp Genetics (formerly Invitae), Labcorp
Classification: Uncertain significance for Muscular dystrophy-dystroglycanopathy (congenital with brain and eye anomalies), type a, 8. Last evaluated: 2018-07-08. Review status: criteria provided, single submitter. Criteria: Invitae Variant Classification Sherloc (09022015). Collection method: clinical testing. Allele origin: germline.
Comment: In summary, the available evidence is currently insufficient to determine the role of this variant in disease. Therefore, it has been classified as a Variant of Uncertain Significance. Algorithms developed to predict the effect of missense changes on protein structure and function are either unavailable or do not agree on the potential impact of this missense change (SIFT: "Deleterious"; PolyPhen-2: "Probably Damaging"; Align-GVGD: "Class C15"). This variant has not been reported in the literature in individuals with POMGNT2-related disease. This variant is present in population databases (rs778188247, ExAC 0.009%). This sequence change replaces phenylalanine with isoleucine at codon 267 of the POMGNT2 protein (p.Phe267Ile). The phenylalanine residue is highly conserved and there is a small physicochemical difference between phenylalanine and isoleucine.